The following is an entry in ClinVar:

NM_001399.5(EDA):c.766C>T (p.Gln256Ter)

Gene: EDA (ectodysplasin A; plus strand). Cytogenetic location: Xq13.1.
Variant type: single nucleotide variant.
Coding change: c.766C>T on transcript NM_001399.5 (MANE Select); coding-DNA position 766, C replaced by T.
Protein change: p.Gln256Ter; replaces glutamine 256 with a stop codon.
Molecular consequence: nonsense.
Genome position (GRCh38, 1-based): chrX:70,030,493, C>T. VCF-style: chrX-70030493-C-T. GRCh37 (hg19) VCF-style: chrX-69250343-C-T.
Other names: c.766C>T, p.Gln256Ter (NM_001005609.2, NM_001005612.3); short protein forms Q256*.
Identifiers: ClinVar variation 177947 (VCV000177947.13), dbSNP rs727504417, ClinGen allele CA273531.

ClinVar aggregate classification (germline): Pathogenic. Review status: criteria provided, multiple submitters, no conflicts (2 of 4 stars). 2 submissions from 2 submitters: Pathogenic (2). Last evaluated 2019-03-18.

Conditions:
Hypohidrotic X-linked ectodermal dysplasia (XHED). Also called: ECTODERMAL DYSPLASIA, HYPOHIDROTIC, 1; CST SYNDROME; ECTODERMAL DYSPLASIA 1; Ectodermal Dysplasia 1, Anhidrotic; Anhidrotic ectodermal dysplasia X-linked; Christ Siemens Touraine syndrome. Identifiers: Orphanet 181, Orphanet 238468, MedGen C0162359, MONDO:0010585, OMIM 305100.

Submissions (2):

Labcorp Genetics (formerly Invitae), Labcorp
Classification: Pathogenic for Hypohidrotic X-linked ectodermal dysplasia. Last evaluated: 2019-03-18. Review status: criteria provided, single submitter. Criteria: Invitae Variant Classification Sherloc (09022015). Collection method: clinical testing. Allele origin: germline.
Comment: For these reasons, this variant has been classified as Pathogenic. Loss-of-function variants in EDA are known to be pathogenic (PMID: 9683615). This variant has been observed in individuals affected with hypohidrotic ectodermal dysplasia (PMID: 11279189, 25333067, Invitae) and was found to be de novo in at least one individual (Invitae). ClinVar contains an entry for this variant (Variation ID: 177947). This variant is not present in population databases (ExAC no frequency). This sequence change creates a premature translational stop signal (p.Gln256*) in the EDA gene. It is expected to result in an absent or disrupted protein product.

Laboratory for Molecular Medicine, Mass General Brigham Personalized Medicine
Classification: Pathogenic for Hypohidrotic X-linked ectodermal dysplasia. Last evaluated: 2013-09-20. Review status: criteria provided, single submitter. Criteria: LMM Criteria. Collection method: clinical testing. Allele origin: germline. Inheritance: X-linked inheritance. Observed: 1 variant allele.
Comment: The Gln256X variant in EDA has been reported in one individual with X-linked hyp ohidrotic ectodermal dysplasia (Schneider 2001). This nonsense variant leads t o a premature termination codon at position 256, which is predicted to lead to a truncated or absent protein. Heterozygous loss of function of the EDA gene is a n established disease mechanism in XLHED. In summary, this variant meets our cri teria to be classified as pathogenic.

Literature cited by the submitters: PubMed 9683615 (cited by Labcorp Genetics (formerly Invitae), Labcorp); PubMed 11279189 (cited by Labcorp Genetics (formerly Invitae), Labcorp and Laboratory for Molecular Medicine, Mass General Brigham Personalized Medicine); PubMed 25333067 (cited by Labcorp Genetics (formerly Invitae), Labcorp).